The following is an entry in ClinVar:

ClinVar aggregate classification (germline): Uncertain significance (1 of 4 stars; one submission).

Submission:

GeneDx
Classification: Uncertain significance. Last evaluated: 2025-09-04. Review status: criteria provided, single submitter. Criteria: GeneDx Variant Classification Process June 2021. Collection method: clinical testing. Allele origin: germline. Affected: yes.
Comment: Not observed in large population cohorts (gnomAD); In silico analysis supports that this missense variant does not alter protein structure/function; In silico analysis is inconclusive as to whether the variant alters gene splicing. In the absence of RNA/functional studies, the actual effect of this sequence change is unknown.; Has not been previously published as pathogenic or benign to our knowledge

NM_031844.3(HNRNPU):c.2119A>G (p.Arg707Gly)

Gene: HNRNPU (heterogeneous nuclear ribonucleoprotein U; minus strand). Cytogenetic location: 1q44.
Variant type: single nucleotide variant.
Coding change: c.2119A>G on transcript NM_031844.3 (MANE Select); coding-DNA position 2119, A replaced by G.
Protein change: p.Arg707Gly; replaces arginine 707 with glycine.
Molecular consequence: missense variant.
Genome position (GRCh38, 1-based): chr1:244,855,952, T>C on the plus strand (A>G on the coding strand, the complement: HNRNPU is on the minus strand). VCF-style: chr1-244855952-T-C. GRCh37 (hg19) VCF-style: chr1-245019254-T-C.
Other names: c.2062A>G, p.Arg688Gly (NM_004501.3); short protein forms R688G, R707G.
Identifiers: ClinVar variation 1193701 (VCV001193701.3), dbSNP rs2102985342, ClinGen allele CA345487774.